The following is an entry in ClinVar:

NM_004444.5(EPHB4):c.2533T>A (p.Cys845Ser)

Genes: EPHB4 (EPH receptor B4; minus strand), LOC126860124 (CDK7 strongly-dependent group 2 enhancer GRCh37_chr7:100403701-100404900; plus strand). Cytogenetic location: 7q22.1.
Variant type: single nucleotide variant.
Coding change: c.2533T>A on transcript NM_004444.5 (MANE Select); coding-DNA position 2533, T replaced by A.
Protein change: p.Cys845Ser; replaces cysteine 845 with serine.
Molecular consequence: missense variant.
Genome position (GRCh38, 1-based): chr7:100,805,646, A>T on the plus strand (T>A on the coding strand, the complement: EPHB4 is on the minus strand). VCF-style: chr7-100805646-A-T. GRCh37 (hg19) VCF-style: chr7-100403268-A-T.
Other names: short protein forms C845S.
Identifiers: ClinVar variation 4826564 (VCV004826564.1).

ClinVar aggregate classification (germline): Uncertain significance (1 of 4 stars; one submission).

Conditions:
Cardiovascular phenotype. Identifiers: MedGen CN230736.

gnomAD v4.1: 1 of 1,541,980 alleles (0.000065%); highest among the groups gnomAD compares: Non-Finnish European, 0.000087%; no homozygotes.

Submission:

Ambry Genetics
Classification: Uncertain significance for Cardiovascular phenotype. Last evaluated: 2026-03-07. Review status: criteria provided, single submitter. Criteria: Ambry Variant Classification Scheme 2023. Collection method: clinical testing. Allele origin: germline.
Comment: The p.C845S variant (also known as c.2533T>A), located in coding exon 15 of the EPHB4 gene, results from a T to A substitution at nucleotide position 2533. The cysteine at codon 845 is replaced by serine, an amino acid with dissimilar properties. This amino acid position is conserved. In addition, this alteration is predicted to be deleterious by in silico analysis. Based on the available evidence, the clinical significance of this variant remains unclear.